The following is an entry in ClinVar:

NM_005751.5(AKAP9):c.11135G>A (p.Arg3712Gln)

Gene: AKAP9 (A-kinase anchoring protein 9; plus strand). Cytogenetic location: 7q21.2.
Variant type: single nucleotide variant.
Coding change: c.11135G>A on transcript NM_005751.5 (MANE Select); coding-DNA position 11135, G replaced by A.
Protein change: p.Arg3712Gln; replaces arginine 3712 with glutamine.
Molecular consequence: missense variant.
Genome position (GRCh38, 1-based): chr7:92,102,631, G>A. VCF-style: chr7-92102631-G-A. GRCh37 (hg19) VCF-style: chr7-91731945-G-A.
Other names: c.5780G>A, p.Arg1927Gln (NM_001379277.1); c.11111G>A, p.Arg3704Gln (NM_147185.3); short protein forms R3712Q, R3704Q, R1927Q.
Identifiers: ClinVar variation 191528 (VCV000191528.20), dbSNP rs186148498, ClinGen allele CA236906.

ClinVar aggregate classification (germline): Benign/Likely benign. Review status: criteria provided, multiple submitters, no conflicts (2 of 4 stars). 7 submissions from 7 submitters: Benign (2); Likely benign (5). Last evaluated 2026-01-16.

Conditions:
Cardiovascular phenotype. Identifiers: MedGen CN230736.
Long QT syndrome (LQTS). Identifiers: MedGen C0023976, MeSH D008133, MONDO:0002442. Disease mechanism: loss of function. Inheritance: Various modes of inheritance.
Long QT syndrome 11 (LQT11). Identifiers: Orphanet 101016, Orphanet 768, MedGen C2678483, MONDO:0012738, OMIM 611820.

Allele frequency attached by ClinVar (database versions not stated): gnomAD 0.00026 and 0.00029; TOPMed 0.00045; ExAC 0.00063; gnomAD exomes 0.00070; 1000 Genomes Project 30x 0.00094; 1000 Genomes Project 0.00120.

Submissions (7):

Labcorp Genetics (formerly Invitae), Labcorp
Classification: Benign for Long QT syndrome. Last evaluated: 2026-01-16. Review status: criteria provided, single submitter. Criteria: Invitae Variant Classification Sherloc (09022015). Collection method: clinical testing. Allele origin: germline.

Women's Health and Genetics/Laboratory Corporation of America, LabCorp
Classification: Likely benign. Last evaluated: 2025-02-10. Review status: criteria provided, single submitter. Criteria: LabCorp Variant Classification Summary - May 2015. Collection method: clinical testing. Allele origin: germline.

Blueprint Genetics
Classification: Likely benign. Last evaluated: 2024-11-27. Review status: criteria provided, single submitter. Criteria: ACMG Guidelines, 2015. Collection method: clinical testing. Allele origin: germline.

Genome-Nilou Lab
Classification: Benign for Long QT syndrome 11. Last evaluated: 2021-12-05. Review status: criteria provided, single submitter. Criteria: ACMG Guidelines, 2015. Collection method: clinical testing. Allele origin: germline. Affected: no.

Ambry Genetics
Classification: Likely benign for Cardiovascular phenotype. Last evaluated: 2019-01-14. Review status: criteria provided, single submitter. Criteria: Ambry Variant Classification Scheme 2023. Collection method: clinical testing. Allele origin: germline.

Biesecker Lab/Clinical Genomics Section, National Institutes of Health
Classification: Likely benign. Last evaluated: 2013-06-24. Review status: criteria provided, single submitter. Criteria: Ng et al. (Circ Cardiovasc Genet. 2013). Collection method: research. Allele origin: unknown. Observed: 2 variant alleles. Study: ClinSeq.
Comment: The study set was not selected for affection status in relation to any cancer. Pathogenicity categories were based on literature curation. See Pubmed ID:23861362 for details.

Medical sequencing

Breakthrough Genomics
Classification: Likely benign. Review status: criteria provided, single submitter. Criteria: ACMG Guidelines, 2015. Collection method: not provided. Allele origin: germline. Inheritance: Autosomal dominant inheritance. Affected: yes.

Literature cited by the submitters: PubMed 23861362 (cited by Ambry Genetics); PubMed 27707468 (cited by Ambry Genetics).